The following is an entry in ClinVar:

ClinVar aggregate classification (germline): Uncertain significance. Review status: criteria provided, multiple submitters, no conflicts (2 of 4 stars). 2 submissions from 2 submitters: Uncertain significance (2). Last evaluated 2024-03-04.

Conditions:
Arrhythmogenic right ventricular dysplasia 9 (ARVD9). Also called: Arrhythmogenic Right Ventricular Dysplasia/Cardiomyopathy 9; ARRHYTHMOGENIC RIGHT VENTRICULAR DYSPLASIA, FAMILIAL, 9. Identifiers: MedGen C1836906, MONDO:0012180, OMIM 609040.
Cardiovascular phenotype. Identifiers: MedGen CN230736.

Submissions (2):

Ambry Genetics
Classification: Uncertain significance for Cardiovascular phenotype. Last evaluated: 2024-03-04. Review status: criteria provided, single submitter. Criteria: Ambry Variant Classification Scheme 2023. Collection method: clinical testing. Allele origin: germline.
Comment: The p.A620T variant (also known as c.1858G>A), located in coding exon 9 of the PKP2 gene, results from a G to A substitution at nucleotide position 1858. The alanine at codon 620 is replaced by threonine, an amino acid with similar properties. This amino acid position is conserved. In addition, this alteration is predicted to be tolerated by in silico analysis. Based on the available evidence, the clinical significance of this alteration remains unclear.

Labcorp Genetics (formerly Invitae), Labcorp
Classification: Uncertain significance for Arrhythmogenic right ventricular dysplasia 9. Last evaluated: 2023-01-26. Review status: criteria provided, single submitter. Criteria: Invitae Variant Classification Sherloc (09022015). Collection method: clinical testing. Allele origin: germline.
Comment: In summary, the available evidence is currently insufficient to determine the role of this variant in disease. Therefore, it has been classified as a Variant of Uncertain Significance. Algorithms developed to predict the effect of missense changes on protein structure and function output the following: SIFT: "Tolerated"; PolyPhen-2: "Benign"; Align-GVGD: "Class C0". The threonine amino acid residue is found in multiple mammalian species, which suggests that this missense change does not adversely affect protein function. This variant has not been reported in the literature in individuals affected with PKP2-related conditions. This variant is not present in population databases (gnomAD no frequency). This sequence change replaces alanine, which is neutral and non-polar, with threonine, which is neutral and polar, at codon 620 of the PKP2 protein (p.Ala620Thr).

NM_001005242.3(PKP2):c.1726G>A (p.Ala576Thr)

Gene: PKP2 (plakophilin 2; minus strand). Cytogenetic location: 12p11.21.
Variant type: single nucleotide variant.
Coding change: c.1726G>A on transcript NM_001005242.3 (MANE Select); coding-DNA position 1726, G replaced by A.
Protein change: p.Ala576Thr; replaces alanine 576 with threonine.
Molecular consequence: missense variant. On other transcripts: intron variant (1).
Genome position (GRCh38, 1-based): chr12:32,822,580, C>T on the plus strand (G>A on the coding strand, the complement: PKP2 is on the minus strand). VCF-style: chr12-32822580-C-T. GRCh37 (hg19) VCF-style: chr12-32975514-C-T.
Other names: c.1726G>A, p.Ala576Thr (NM_001407155.1, NM_001407161.1); c.1858G>A, p.Ala620Thr (NM_001407157.1, NM_004572.4); c.1399G>A, p.Ala467Thr (NM_001407158.1, NM_001407159.1, NM_001407160.1 and 1 more transcripts); c.1675-1051G>A (NM_001407156.1); short protein forms A620T, A576T, A467T.
Identifiers: ClinVar variation 2968940 (VCV002968940.4), dbSNP rs1956391930, ClinGen allele CA384363338.